The following is an entry in ClinVar:

ClinVar aggregate classification (germline): Uncertain significance (1 of 4 stars; one submission).

Conditions:
X-linked severe combined immunodeficiency (SCIDX1). Also called: IMMUNODEFICIENCY 4; SCID, X-LINKED; SEVERE COMBINED IMMUNODEFICIENCY, X-LINKED, T CELL-NEGATIVE, B CELL-POSITIVE, NK CELL-NEGATIVE; T-B+ severe combined immunodeficiency due to gamma chain deficiency; X-Linked Combined Immunodeficiency Diseases. Identifiers: Orphanet 276, MedGen C6022468, MONDO:0010315, OMIM 300400. Disease mechanism: loss of function.

Submission:

Labcorp Genetics (formerly Invitae), Labcorp
Classification: Uncertain significance for X-linked severe combined immunodeficiency. Last evaluated: 2022-08-29. Review status: criteria provided, single submitter. Criteria: Invitae Variant Classification Sherloc (09022015). Collection method: clinical testing. Allele origin: germline.
Comment: In summary, the available evidence is currently insufficient to determine the role of this variant in disease. Therefore, it has been classified as a Variant of Uncertain Significance. Advanced modeling of protein sequence and biophysical properties (such as structural, functional, and spatial information, amino acid conservation, physicochemical variation, residue mobility, and thermodynamic stability) performed at Invitae indicates that this missense variant is not expected to disrupt IL2RG protein function. This variant has not been reported in the literature in individuals affected with IL2RG-related conditions. This variant is not present in population databases (gnomAD no frequency). This sequence change replaces leucine, which is neutral and non-polar, with phenylalanine, which is neutral and non-polar, at codon 11 of the IL2RG protein (p.Leu11Phe).

NM_000206.3(IL2RG):c.31C>T (p.Leu11Phe)

Genes: IL2RG (interleukin 2 receptor subunit gamma; minus strand), LOC126863274 (MED14-independent group 3 enhancer GRCh37_chrX:70330888-70332087; plus strand). Cytogenetic location: Xq13.1.
Variant type: single nucleotide variant.
Coding change: c.31C>T on transcript NM_000206.3 (MANE Select); coding-DNA position 31, C replaced by T.
Protein change: p.Leu11Phe; replaces leucine 11 with phenylalanine.
Molecular consequence: missense variant.
Genome position (GRCh38, 1-based): chrX:71,111,509, G>A on the plus strand (C>T on the coding strand, the complement: IL2RG is on the minus strand). VCF-style: chrX-71111509-G-A. GRCh37 (hg19) VCF-style: chrX-70331359-G-A.
Other names: short protein forms L11F.
Identifiers: ClinVar variation 1718300 (VCV001718300.6), dbSNP rs1394628494, ClinGen allele CA413497738.